The following is an entry in ClinVar:

NM_017999.5(RNF31):c.2270A>T (p.Gln757Leu)

Gene: RNF31 (ring finger protein 31; plus strand). Cytogenetic location: 14q12.
Variant type: single nucleotide variant.
Coding change: c.2270A>T on transcript NM_017999.5 (MANE Select); coding-DNA position 2270, A replaced by T.
Protein change: p.Gln757Leu; replaces glutamine 757 with leucine.
Molecular consequence: missense variant.
Genome position (GRCh38, 1-based): chr14:24,155,296, A>T. VCF-style: chr14-24155296-A-T. GRCh37 (hg19) VCF-style: chr14-24624505-A-T.
Other names: c.1817A>T, p.Gln606Leu (NM_001310332.2); short protein forms Q757L, Q606L.
Identifiers: ClinVar variation 4716046 (VCV004716046.1).

ClinVar aggregate classification (germline): Uncertain significance (1 of 4 stars; one submission).

Submission:

Labcorp Genetics (formerly Invitae), Labcorp
Classification: Uncertain significance. Last evaluated: 2025-04-01. Review status: criteria provided, single submitter. Criteria: Invitae Variant Classification Sherloc (09022015). Collection method: clinical testing. Allele origin: germline.
Comment: This sequence change replaces glutamine, which is neutral and polar, with leucine, which is neutral and non-polar, at codon 757 of the RNF31 protein (p.Gln757Leu). This variant is not present in population databases (gnomAD no frequency). This variant has not been reported in the literature in individuals affected with RNF31-related conditions. An algorithm developed to predict the effect of missense changes on protein structure and function (PolyPhen-2) suggests that this variant is likely to be tolerated. In summary, the available evidence is currently insufficient to determine the role of this variant in disease. Therefore, it has been classified as a Variant of Uncertain Significance.